The following is an entry in ClinVar:

ClinVar aggregate classification (germline): Pathogenic (1 of 4 stars; one submission).

Conditions:
CDKL5 disorder. Identifiers: MedGen CN296942, MONDO:0100039.

Submission:

Centre for Population Genomics, CPG
Classification: Pathogenic for CDKL5 disorder. Last evaluated: 2024-09-18. Review status: criteria provided, single submitter. Criteria: McKnight et al. (Hum Mutat. 2022). Collection method: curation. Allele origin: germline. Inheritance: X-linked inheritance.
Comment: This variant has been collected from RettBASE and curated to current modified ACMG/AMP criteria. Based on the classification scheme defined by the ClinGen Rett/Angelman-like Expert Panel for Rett/AS-like Disorders Specifications to the ACMG/AMP Variant Interpretation Guidelines VCEP 3.0, this variant is classified as pathogenic. At least the following criteria are met: Predicted to result in loss of function, and LOF is a known mechanism of disease (PVS1). At least one individual with this variant has been reported with a clinical phenotype consistent with CDKL5- related condition (PP4). PMID:24564546 This variant is absent from gnomAD v4 (PM2_Supporting).

NM_001323289.2(CDKL5):c.234del (p.Arg80fs)

Gene: CDKL5 (cyclin dependent kinase like 5; plus strand). Cytogenetic location: Xp22.13.
Variant type: Deletion.
Coding change: c.234del on transcript NM_001323289.2 (MANE Select); coding-DNA position 234, one base deleted (A; older notation c.234delA).
Protein change: p.Arg80fs; shifts the reading frame from arginine 80.
Molecular consequence: frameshift variant.
Genome position (GRCh38, 1-based): chrX:18,575,442, A deleted. VCF-style (leftmost placement, unchanged base first): chrX-18575441-CA-C. GRCh37 (hg19) VCF-style: chrX-18593561-CA-C.
Other names: NM_003159.3:c.234del; c.234del, p.Arg80fs (NM_001037343.2, NM_003159.3); short protein forms R80fs.
Identifiers: ClinVar variation 3344003 (VCV003344003.1).